The following is an entry in ClinVar:

ClinVar aggregate classification (germline): Uncertain significance (1 of 4 stars; one submission).

Submission:

GeneDx
Classification: Uncertain significance. Last evaluated: 2025-05-28. Review status: criteria provided, single submitter. Criteria: GeneDx Variant Classification Process June 2021. Collection method: clinical testing. Allele origin: germline. Affected: yes.
Comment: Not observed at significant frequency in large population cohorts (gnomAD); In silico analysis suggests that this missense variant does not alter protein structure/function; Has not been previously published as pathogenic or benign to our knowledge.

NM_002578.5(PAK3):c.444T>G (p.His148Gln)

Gene: PAK3 (p21 (RAC1) activated kinase 3; plus strand). Cytogenetic location: Xq23.
Variant type: single nucleotide variant.
Coding change: c.444T>G on transcript NM_002578.5 (MANE Select); coding-DNA position 444, T replaced by G.
Protein change: p.His148Gln; replaces histidine 148 with glutamine.
Molecular consequence: missense variant. On other transcripts: non-coding transcript variant (2).
Genome position (GRCh38, 1-based): chrX:111,152,423, T>G. VCF-style: chrX-111152423-T-G. GRCh37 (hg19) VCF-style: chrX-110395651-T-G.
Other names: c.444T>G, p.His148Gln (NM_001128166.3, NM_001128167.3, NM_001324325.2 and 5 more transcripts); c.552T>G, p.His184Gln (NM_001128168.3); c.507T>G, p.His169Gln (NM_001128172.2); c.489T>G, p.His163Gln (NM_001128173.3, NM_001324327.2, NM_001324328.2 and 2 more transcripts); short protein forms H148Q, H163Q, H169Q, H184Q.
Identifiers: ClinVar variation 4532587 (VCV004532587.1).